The following is an entry in ClinVar:

NM_144736.5(NDUFAF7):c.67A>G (p.Ile23Val)

Genes: NDUFAF7 (NADH:ubiquinone oxidoreductase complex assembly factor 7; plus strand), LOC126806192 (CDK7 strongly-dependent group 2 enhancer GRCh37_chr2:37458084-37459283; plus strand). Cytogenetic location: 2p22.2.
Variant type: single nucleotide variant.
Coding change: c.67A>G on transcript NM_144736.5 (MANE Select); coding-DNA position 67, A replaced by G.
Protein change: p.Ile23Val; replaces isoleucine 23 with valine.
Molecular consequence: missense variant. On other transcripts: non-coding transcript variant (10).
Genome position (GRCh38, 1-based): chr2:37,232,117, A>G. VCF-style: chr2-37232117-A-G. GRCh37 (hg19) VCF-style: chr2-37459260-A-G.
Other names: c.67A>G (NM_001083946.1); c.67A>G, p.Ile23Val (NM_001083946.2, NM_001350024.2, NM_001350025.2 and 1 more transcripts); short protein forms I23V.
Identifiers: ClinVar variation 1915835 (VCV001915835.6), dbSNP rs752547992, ClinGen allele CA1617022.
Genomic context (GRCh38, chr2:37,232,117, plus strand): 5'-TGAATGGTCAGATTTATCATGGGGTCTGTTTAATTTGTGTTTTTCGCAGCCATTCCTTTT[A>G]TTTGGAGAGGGAAATACTTCAGCTCCGGGAATGAGCCTGCAGAAAACCCGGTGACGCCGA-3'
Protein context (NP_653337.1, residues 13-33): CAVARAAIPF[Ile23Val]WRGKYFSSGN

ClinVar aggregate classification (germline): Uncertain significance. Review status: criteria provided, multiple submitters, no conflicts (2 of 4 stars). 2 submissions from 2 submitters: Uncertain significance (2). Last evaluated 2025-07-15.

Allele frequency attached by ClinVar (database versions not stated): gnomAD 0.00001; TOPMed 0.00001; ExAC 0.00002.
gnomAD v4.1: 65 of 1,614,026 alleles (0.004%); highest among the groups gnomAD compares: Non-Finnish European, 0.0051%; no homozygotes.

Submissions (2):

Ambry Genetics
Classification: Uncertain significance. Last evaluated: 2025-07-15. Review status: criteria provided, single submitter. Criteria: Ambry Variant Classification Scheme 2023. Collection method: clinical testing. Allele origin: germline.

Labcorp Genetics (formerly Invitae), Labcorp
Classification: Uncertain significance. Last evaluated: 2024-10-16. Review status: criteria provided, single submitter. Criteria: Invitae Variant Classification Sherloc (09022015). Collection method: clinical testing. Allele origin: germline.
Comment: This sequence change replaces isoleucine, which is neutral and non-polar, with valine, which is neutral and non-polar, at codon 23 of the NDUFAF7 protein (p.Ile23Val). This variant is present in population databases (rs752547992, gnomAD 0.005%). This variant has not been reported in the literature in individuals affected with NDUFAF7-related conditions. ClinVar contains an entry for this variant (Variation ID: 1915835). An algorithm developed to predict the effect of missense changes on protein structure and function outputs the following: PolyPhen-2: "Benign". The valine amino acid residue is found in multiple mammalian species, which suggests that this missense change does not adversely affect protein function. In summary, the available evidence is currently insufficient to determine the role of this variant in disease. Therefore, it has been classified as a Variant of Uncertain Significance.